The following is an entry in ClinVar:

ClinVar aggregate classification (germline): Uncertain significance. Review status: criteria provided, multiple submitters, no conflicts (2 of 4 stars). 3 submissions from 3 submitters: Uncertain significance (3). Last evaluated 2025-09-10.

Conditions:
ADGRV1-related disorder. Also called: ADGRV1-related disorders; ADGRV1-related condition.

Allele frequency attached by ClinVar (database versions not stated): TOPMed 0.00002.
gnomAD v4.1: 9 of 1,613,748 alleles (0.00056%); highest among the groups gnomAD compares: Admixed American, 0.01%; no homozygotes.

Submissions (3):

PreventionGenetics, part of Exact Sciences
Classification: Uncertain significance for ADGRV1-related condition. Last evaluated: 2025-09-10. Review status: criteria provided, single submitter. Criteria: ACMG Guidelines, 2015. Collection method: clinical testing. Allele origin: germline.
Comment: The ADGRV1 c.14207C>T variant is predicted to result in the amino acid substitution p.Ser4736Phe. To our knowledge, this variant has not been reported in the literature or in a large population database (gnomAD), indicating this variant is rare. At this time, the clinical significance of this variant is uncertain due to the absence of conclusive functional and genetic evidence.

Labcorp Genetics (formerly Invitae), Labcorp
Classification: Uncertain significance. Last evaluated: 2022-09-01. Review status: criteria provided, single submitter. Criteria: Invitae Variant Classification Sherloc (09022015). Collection method: clinical testing. Allele origin: germline.
Comment: This sequence change replaces serine, which is neutral and polar, with phenylalanine, which is neutral and non-polar, at codon 4736 of the ADGRV1 protein (p.Ser4736Phe). This variant is not present in population databases (gnomAD no frequency). This variant has not been reported in the literature in individuals affected with ADGRV1-related conditions. ClinVar contains an entry for this variant (Variation ID: 961152). Algorithms developed to predict the effect of missense changes on protein structure and function are either unavailable or do not agree on the potential impact of this missense change (SIFT: "Tolerated"; PolyPhen-2: "Probably Damaging"; Align-GVGD: "Class C0"). In summary, the available evidence is currently insufficient to determine the role of this variant in disease. Therefore, it has been classified as a Variant of Uncertain Significance.

Blueprint Genetics
Classification: Uncertain significance. Last evaluated: 2020-11-07. Review status: criteria provided, single submitter. Criteria: ACMG Guidelines, 2015. Collection method: clinical testing. Allele origin: germline.

NM_032119.4(ADGRV1):c.14207C>T (p.Ser4736Phe)

Gene: ADGRV1 (adhesion G protein-coupled receptor V1; plus strand). Cytogenetic location: 5q14.3.
Variant type: single nucleotide variant.
Coding change: c.14207C>T on transcript NM_032119.4 (MANE Select); coding-DNA position 14207, C replaced by T.
Protein change: p.Ser4736Phe; replaces serine 4736 with phenylalanine.
Molecular consequence: missense variant. On other transcripts: non-coding transcript variant (1).
Genome position (GRCh38, 1-based): chr5:90,791,036, C>T. VCF-style: chr5-90791036-C-T. GRCh37 (hg19) VCF-style: chr5-90086853-C-T.
Other names: short protein forms S4736F.
Identifiers: ClinVar variation 961152 (VCV000961152.9), dbSNP rs201478715, ClinGen allele CA122811272.